The following is an entry in ClinVar:

NM_015192.4(PLCB1):c.890G>T (p.Arg297Leu)

Gene: PLCB1 (phospholipase C beta 1; plus strand). Cytogenetic location: 20p12.3.
Variant type: single nucleotide variant.
Coding change: c.890G>T on transcript NM_015192.4 (MANE Select); coding-DNA position 890, G replaced by T.
Protein change: p.Arg297Leu; replaces arginine 297 with leucine.
Molecular consequence: missense variant.
Genome position (GRCh38, 1-based): chr20:8,684,959, G>T. VCF-style: chr20-8684959-G-T. GRCh37 (hg19) VCF-style: chr20-8665606-G-T.
Other names: c.890G>T, p.Arg297Leu (NM_182734.3); short protein forms R297L.
Identifiers: ClinVar variation 2046492 (VCV002046492.4), dbSNP rs775904184, ClinGen allele CA408193928.
Genomic context (GRCh38, chr20:8,684,959, plus strand): 5'-CATTCACATCCTTTCTAACTTCATTTCCTCCAGGACAAATATCAGTGGATGGGTTCATGC[G>T]CTATCTGAGTGGAGAAGAAAACGGAGTCGTTTCACCTGAGAAACTGGATTTGAATGAAGA-3'
Protein context (NP_056007.1, residues 287-307): KGQISVDGFM[Arg297Leu]YLSGEENGVV

ClinVar aggregate classification (germline): Uncertain significance (1 of 4 stars; one submission).

Conditions:
Developmental and epileptic encephalopathy, 12 (DEE12). Identifiers: MedGen C3150988, MONDO:0013389, OMIM 613722.

Submission:

Labcorp Genetics (formerly Invitae), Labcorp
Classification: Uncertain significance for Developmental and epileptic encephalopathy, 12. Last evaluated: 2024-08-13. Review status: criteria provided, single submitter. Criteria: Invitae Variant Classification Sherloc (09022015). Collection method: clinical testing. Allele origin: germline.
Comment: This sequence change replaces arginine, which is basic and polar, with leucine, which is neutral and non-polar, at codon 297 of the PLCB1 protein (p.Arg297Leu). This variant is present in population databases (no rsID available, gnomAD 0.006%). This variant has not been reported in the literature in individuals affected with PLCB1-related conditions. ClinVar contains an entry for this variant (Variation ID: 2046492). Advanced modeling of protein sequence and biophysical properties (such as structural, functional, and spatial information, amino acid conservation, physicochemical variation, residue mobility, and thermodynamic stability) performed at Invitae indicates that this missense variant is not expected to disrupt PLCB1 protein function with a negative predictive value of 80%. In summary, the available evidence is currently insufficient to determine the role of this variant in disease. Therefore, it has been classified as a Variant of Uncertain Significance.